The following is an entry in ClinVar:

NM_024675.4(PALB2):c.2612A>T (p.Asp871Val)

Gene: PALB2 (partner and localizer of BRCA2; minus strand). Cytogenetic location: 16p12.2.
Variant type: single nucleotide variant.
Coding change: c.2612A>T on transcript NM_024675.4 (MANE Select); coding-DNA position 2612, A replaced by T.
Protein change: p.Asp871Val; replaces aspartic acid 871 with valine.
Molecular consequence: missense variant.
Genome position (GRCh38, 1-based): chr16:23,626,372, T>A on the plus strand (A>T on the coding strand, the complement: PALB2 is on the minus strand). VCF-style: chr16-23626372-T-A. GRCh37 (hg19) VCF-style: chr16-23637693-T-A.
Other names: short protein forms D871V.
Identifiers: ClinVar variation 530168 (VCV000530168.14), dbSNP rs515726090, ClinGen allele CA395122210.

ClinVar aggregate classification (germline): Uncertain significance. Review status: criteria provided, multiple submitters, no conflicts (2 of 4 stars). 4 submissions from 4 submitters: Uncertain significance (4). Last evaluated 2023-11-07.

Conditions:
Hereditary cancer-predisposing syndrome. Also called: Hereditary neoplastic syndrome; Neoplastic Syndromes, Hereditary; Hereditary Cancer Syndrome; Tumor predisposition. Identifiers: Orphanet 140162, MedGen C0027672, MeSH D009386, MONDO:0015356.
Familial cancer of breast. Also called: BREAST CANCER, FAMILIAL; Hereditary breast cancer; hereditary breast carcinoma. Identifiers: Orphanet 227535, MedGen C0346153, MONDO:0016419, OMIM 114480. Disease mechanism: loss of function.

Submissions (4):

Baylor Genetics
Classification: Uncertain significance for Familial cancer of breast. Last evaluated: 2023-11-07. Review status: criteria provided, single submitter. Criteria: ACMG Guidelines, 2015. Collection method: clinical testing. Allele origin: unknown.

Color Diagnostics, LLC DBA Color Health
Classification: Uncertain significance for Hereditary cancer-predisposing syndrome. Last evaluated: 2023-07-18. Review status: criteria provided, single submitter. Criteria: ACMG Guidelines, 2015. Collection method: clinical testing. Allele origin: germline.
Comment: This missense variant replaces aspartic acid with valine at codon 871 of the PALB2 protein. Computational prediction suggests that this variant may not impact protein structure and function (internally defined REVEL score threshold <= 0.5, PMID: 27666373). To our knowledge, functional studies have not been reported for this variant. This variant has been detected in a breast cancer case-control meta-analysis in 1/60466 cases and 0/53461 unaffected individuals (PMID: 33471991; Leiden Open Variation Database DB-ID PALB2_010865). This variant has not been identified in the general population by the Genome Aggregation Database (gnomAD). The available evidence is insufficient to determine the role of this variant in disease conclusively. Therefore, this variant is classified as a Variant of Uncertain Significance.

Labcorp Genetics (formerly Invitae), Labcorp
Classification: Uncertain significance for Familial cancer of breast. Last evaluated: 2022-11-18. Review status: criteria provided, single submitter. Criteria: Invitae Variant Classification Sherloc (09022015). Collection method: clinical testing. Allele origin: germline.
Comment: In summary, the available evidence is currently insufficient to determine the role of this variant in disease. Therefore, it has been classified as a Variant of Uncertain Significance. Advanced modeling of protein sequence and biophysical properties (such as structural, functional, and spatial information, amino acid conservation, physicochemical variation, residue mobility, and thermodynamic stability) performed at Invitae indicates that this missense variant is expected to disrupt PALB2 protein function. ClinVar contains an entry for this variant (Variation ID: 530168). This variant has not been reported in the literature in individuals affected with PALB2-related conditions. This variant is not present in population databases (gnomAD no frequency). This sequence change replaces aspartic acid, which is acidic and polar, with valine, which is neutral and non-polar, at codon 871 of the PALB2 protein (p.Asp871Val).

Ambry Genetics
Classification: Uncertain significance for Hereditary cancer-predisposing syndrome. Last evaluated: 2022-07-20. Review status: criteria provided, single submitter. Criteria: Ambry Variant Classification Scheme 2023. Collection method: clinical testing. Allele origin: germline.
Comment: The p.D871V variant (also known as c.2612A>T), located in coding exon 7 of the PALB2 gene, results from an A to T substitution at nucleotide position 2612. The aspartic acid at codon 871 is replaced by valine, an amino acid with highly dissimilar properties. This amino acid position is highly conserved in available vertebrate species. In addition, the in silico prediction for this alteration is inconclusive. Since supporting evidence is limited at this time, the clinical significance of this alteration remains unclear.

Literature cited by the submitters: PubMed 33471991 (cited by Color Diagnostics, LLC DBA Color Health).